The following is an entry in ClinVar:

NM_031885.5(BBS2):c.1841T>C (p.Met614Thr)

Gene: BBS2 (Bardet-Biedl syndrome 2; minus strand). Cytogenetic location: 16q13.
Variant type: single nucleotide variant.
Coding change: c.1841T>C on transcript NM_031885.5 (MANE Select); coding-DNA position 1841, T replaced by C.
Protein change: p.Met614Thr; replaces methionine 614 with threonine.
Molecular consequence: missense variant. On other transcripts: non-coding transcript variant (5).
Genome position (GRCh38, 1-based): chr16:56,497,036, A>G on the plus strand (T>C on the coding strand, the complement: BBS2 is on the minus strand). VCF-style: chr16-56497036-A-G. GRCh37 (hg19) VCF-style: chr16-56530948-A-G.
Other names: c.1841T>C, p.Met614Thr (NM_001377456.1); short protein forms M614T.
Identifiers: ClinVar variation 1989579 (VCV001989579.2), dbSNP rs202230432, ClinGen allele CA8065606.

ClinVar aggregate classification (germline): Uncertain significance. Review status: criteria provided, multiple submitters, no conflicts (2 of 4 stars). 2 submissions from 2 submitters: Uncertain significance (2). Last evaluated 2022-08-08.

Conditions:
Bardet-Biedl syndrome (BBS). Identifiers: Orphanet 110, MedGen C0752166, MONDO:0015229.

Allele frequency attached by ClinVar (database versions not stated): TOPMed below 0.00001; gnomAD 0.00001; ExAC 0.00002; 1000 Genomes Project 0.00020; 1000 Genomes Project 30x 0.00031.
gnomAD v4.1: 7 of 1,614,158 alleles (0.00043%); highest among the groups gnomAD compares: African/African-American, 0.0027%; no homozygotes.

Submissions (2):

Labcorp Genetics (formerly Invitae), Labcorp
Classification: Uncertain significance for Bardet-Biedl syndrome. Last evaluated: 2022-08-08. Review status: criteria provided, single submitter. Criteria: Invitae Variant Classification Sherloc (09022015). Collection method: clinical testing. Allele origin: germline.
Comment: This sequence change replaces methionine, which is neutral and non-polar, with threonine, which is neutral and polar, at codon 614 of the BBS2 protein (p.Met614Thr). This variant is present in population databases (rs202230432, gnomAD 0.01%). This variant has not been reported in the literature in individuals affected with BBS2-related conditions. Algorithms developed to predict the effect of missense changes on protein structure and function are either unavailable or do not agree on the potential impact of this missense change (SIFT: "Deleterious"; PolyPhen-2: "Benign"; Align-GVGD: "Class C45"). In summary, the available evidence is currently insufficient to determine the role of this variant in disease. Therefore, it has been classified as a Variant of Uncertain Significance.

Blueprint Genetics
Classification: Uncertain significance. Last evaluated: 2021-10-19. Review status: criteria provided, single submitter. Criteria: ACMG Guidelines, 2015. Collection method: clinical testing. Allele origin: germline.